The following is an entry in ClinVar:

ClinVar aggregate classification (germline): Pathogenic/Likely pathogenic. Review status: criteria provided, multiple submitters, no conflicts (2 of 4 stars). 4 submissions from 4 submitters: Pathogenic (2); Likely pathogenic (2). Last evaluated 2024-12-31.

Conditions:
Fraser syndrome 3. Identifiers: MedGen C4540040, MONDO:0054739, OMIM 617667.

gnomAD v4.1: 7 of 1,613,518 alleles (0.00043%); highest among the groups gnomAD compares: South Asian, 0.0077%; no homozygotes.

Submissions (4):

GeneDx
Classification: Likely pathogenic. Last evaluated: 2024-12-31. Review status: criteria provided, single submitter. Criteria: GeneDx Variant Classification Process June 2021. Collection method: clinical testing. Allele origin: germline. Affected: yes.
Comment: Nonsense variant predicted to result in protein truncation or nonsense mediated decay in a gene for which loss of function is a known mechanism of disease; Not observed at significant frequency in large population cohorts (gnomAD); Has not been previously published as pathogenic or benign to our knowledge

Genomic Medicine Center of Excellence, King Faisal Specialist Hospital and Research Centre
Classification: Pathogenic for Fraser syndrome 3. Last evaluated: 2024-04-04. Review status: criteria provided, single submitter. Criteria: ACMG Guidelines, 2015. Collection method: clinical testing. Allele origin: germline.

Fulgent Genetics
Classification: Likely pathogenic for Fraser syndrome 3. Last evaluated: 2024-02-14. Review status: criteria provided, single submitter. Criteria: ACMG Guidelines, 2015. Collection method: clinical testing. Allele origin: germline.

Labcorp Genetics (formerly Invitae), Labcorp
Classification: Pathogenic. Last evaluated: 2023-04-26. Review status: criteria provided, single submitter. Criteria: Invitae Variant Classification Sherloc (09022015). Collection method: clinical testing. Allele origin: germline.
Comment: For these reasons, this variant has been classified as Pathogenic. ClinVar contains an entry for this variant (Variation ID: 620314). This variant has not been reported in the literature in individuals affected with GRIP1-related conditions. This variant is present in population databases (rs758192469, gnomAD 0.003%). This sequence change creates a premature translational stop signal (p.Cys10*) in the GRIP1 gene. It is expected to result in an absent or disrupted protein product. Loss-of-function variants in GRIP1 are known to be pathogenic (PMID: 22510445, 24357607).

Literature cited by the submitters: PubMed 22510445 (cited by Labcorp Genetics (formerly Invitae), Labcorp); PubMed 24357607 (cited by Labcorp Genetics (formerly Invitae), Labcorp).

NM_001366722.1(GRIP1):c.30T>A (p.Cys10Ter)

Gene: GRIP1 (glutamate receptor interacting protein 1; minus strand). Cytogenetic location: 12q14.3.
Variant type: single nucleotide variant.
Coding change: c.30T>A on transcript NM_001366722.1 (MANE Select); coding-DNA position 30, T replaced by A.
Protein change: p.Cys10Ter; replaces cysteine 10 with a stop codon.
Molecular consequence: nonsense. On other transcripts: intron variant (2).
Genome position (GRCh38, 1-based): chr12:66,678,875, A>T on the plus strand (T>A on the coding strand, the complement: GRIP1 is on the minus strand). VCF-style: chr12-66678875-A-T. GRCh37 (hg19) VCF-style: chr12-67072655-A-T.
Other names: c.30T>A, p.Cys10Ter (NM_001178074.2, NM_021150.4); c.134-81948T>A (NM_001366723.1, NM_001366724.1); short protein forms C10*.
Identifiers: ClinVar variation 620314 (VCV000620314.7), dbSNP rs758192469, ClinGen allele CA6674782.